The following is an entry in ClinVar:

NC_012920.1(MT-ND6):m.14668C>T

Gene: MT-ND6 (mitochondrially encoded NADH dehydrogenase 6; minus strand).
Variant type: single nucleotide variant.
Genome position: chrM-14668-C-T.
Identifiers: ClinVar variation 1344550 (VCV001344550.3), dbSNP rs28357678, ClinGen allele CA337100121.

ClinVar aggregate classification (germline): Benign. Review status: criteria provided, single submitter (1 of 4 stars). 2 submissions from 2 submitters: Benign (1). 1 of the submissions does not count toward it. Last evaluated 2025-02-07.

Conditions:
Mitochondrial inheritance. Identifiers: MedGen C0887941, HP:0001427.
Leber optic atrophy (LHON). Also called: Leber's disease; Leber's optic atrophy; Optic Atrophy, Hereditary, Leber; Leber hereditary optic neuropathy. Identifiers: Orphanet 104, MedGen C0917796, MONDO:0010788, OMIM 535000, HP:0001112.

Submissions (2):

Mendelics
Classification: Benign for Leber optic atrophy. Last evaluated: 2025-02-07. Review status: criteria provided, single submitter. Criteria: ACMG Guidelines, 2015. Collection method: clinical testing. Allele origin: unknown.
Comment: This variant is considered likely benign or benign based on one or more of the following: it is predicted to be benign by multiple in silico algorithms, and/or has population frequency not consistent with disease, and/or has normal protein function, and/or has lack of segregation with disease, and/or has been detected in co-occurrence with known pathogenic variant, and/or has lack of disease association in case-control studies, and/or is located in a region inconsistent with a known cause of pathogenicity. GnomAD 4.1.0 frequency 0.009746 homoplsmic/3 heteroplasmic

Department of Pediatrics, Division of Medical Genetics, Faculty of Medicine Ramathibodi Hospital, Mahidol University
Classification: Uncertain significance for Mitochondrial inheritance. Review status: no assertion criteria provided. Collection method: research. Allele origin: maternal. Inheritance: Mitochondrial inheritance. Affected: yes. Not counted in ClinVar's aggregate classification.